The following is an entry in ClinVar:

NM_004168.4(SDHA):c.1946T>G (p.Leu649Trp)

Gene: SDHA (succinate dehydrogenase complex flavoprotein subunit A; plus strand). Cytogenetic location: 5p15.33.
Variant type: single nucleotide variant.
Coding change: c.1946T>G on transcript NM_004168.4 (MANE Select); coding-DNA position 1946, T replaced by G.
Protein change: p.Leu649Trp; replaces leucine 649 with tryptophan.
Molecular consequence: missense variant.
Genome position (GRCh38, 1-based): chr5:256,371, T>G. VCF-style: chr5-256371-T-G. GRCh37 (hg19) VCF-style: chr5-256486-T-G.
Other names: c.1946T>G (NM_004168.2); c.1802T>G, p.Leu601Trp (NM_001294332.2); c.1703T>G, p.Leu568Trp (NM_001330758.2); short protein forms L568W, L601W, L649W.
Identifiers: ClinVar variation 1057226 (VCV001057226.17), dbSNP rs899598021, ClinGen allele CA359002863.

ClinVar aggregate classification (germline): Uncertain significance. Review status: criteria provided, multiple submitters, no conflicts (2 of 4 stars). 2 submissions from 2 submitters: Uncertain significance (2). Last evaluated 2023-03-29.

Conditions:
Mitochondrial complex II deficiency, nuclear type 1. Also called: SUCCINATE CoQ REDUCTASE DEFICIENCY. Identifiers: Orphanet 3208, MedGen C5700310, MONDO:0100294, OMIM 252011.
Pheochromocytoma/paraganglioma syndrome 5. Also called: Paragangliomas 5; SDHA-Related Hereditary Paraganglioma-Pheochromocytoma Syndrome. Identifiers: Orphanet 29072, MedGen C3279992, MONDO:0013602, OMIM 614165.
Hereditary cancer-predisposing syndrome. Also called: Tumor predisposition; Hereditary neoplastic syndrome; Neoplastic Syndromes, Hereditary; Hereditary Cancer Syndrome. Identifiers: Orphanet 140162, MedGen C0027672, MeSH D009386, MONDO:0015356.

Submissions (2):

Ambry Genetics
Classification: Uncertain significance for Hereditary cancer-predisposing syndrome. Last evaluated: 2023-03-29. Review status: criteria provided, single submitter. Criteria: Ambry Variant Classification Scheme 2023. Collection method: clinical testing. Allele origin: germline.
Comment: The p.L649W variant (also known as c.1946T>G), located in coding exon 15 of the SDHA gene, results from a T to G substitution at nucleotide position 1946. The leucine at codon 649 is replaced by tryptophan, an amino acid with similar properties. This amino acid position is conserved. In addition, this alteration is predicted to be deleterious by in silico analysis. Since supporting evidence is limited at this time, the clinical significance of this alteration remains unclear.

Labcorp Genetics (formerly Invitae), Labcorp
Classification: Uncertain significance for Pheochromocytoma/paraganglioma syndrome 5; Mitochondrial complex II deficiency, nuclear type 1. Last evaluated: 2021-12-18. Review status: criteria provided, single submitter. Criteria: Invitae Variant Classification Sherloc (09022015). Collection method: clinical testing. Allele origin: germline.
Comment: ClinVar contains an entry for this variant (Variation ID: 1057226). In summary, the available evidence is currently insufficient to determine the role of this variant in disease. Therefore, it has been classified as a Variant of Uncertain Significance. Algorithms developed to predict the effect of missense changes on protein structure and function (SIFT, PolyPhen-2, Align-GVGD) all suggest that this variant is likely to be disruptive. This variant has not been reported in the literature in individuals affected with SDHA-related conditions. This variant is not present in population databases (gnomAD no frequency). This sequence change replaces leucine, which is neutral and non-polar, with tryptophan, which is neutral and slightly polar, at codon 649 of the SDHA protein (p.Leu649Trp).